The following is an entry in ClinVar:

NM_003737.4(DCHS1):c.5260G>T (p.Ala1754Ser)

Gene: DCHS1 (dachsous cadherin-related 1; minus strand). Cytogenetic location: 11p15.4.
Variant type: single nucleotide variant.
Coding change: c.5260G>T on transcript NM_003737.4 (MANE Select); coding-DNA position 5260, G replaced by T.
Protein change: p.Ala1754Ser; replaces alanine 1754 with serine.
Molecular consequence: missense variant.
Genome position (GRCh38, 1-based): chr11:6,628,732, C>A on the plus strand (G>T on the coding strand, the complement: DCHS1 is on the minus strand). VCF-style: chr11-6628732-C-A. GRCh37 (hg19) VCF-style: chr11-6649963-C-A.
Other names: c.5260G>T (NM_003737.2); short protein forms A1754S.
Identifiers: ClinVar variation 3699605 (VCV003699605.3).

ClinVar aggregate classification (germline): Uncertain significance. Review status: criteria provided, multiple submitters, no conflicts (2 of 4 stars). 2 submissions from 2 submitters: Uncertain significance (2). Last evaluated 2025-10-02.

Conditions:
Inborn genetic diseases. Identifiers: MedGen C0950123, MeSH D030342.

gnomAD v4.1: 4 of 1,613,918 alleles (0.00025%); highest among the groups gnomAD compares: Non-Finnish European, 0.00034%; no homozygotes.

Submissions (2):

Labcorp Genetics (formerly Invitae), Labcorp
Classification: Uncertain significance. Last evaluated: 2025-10-02. Review status: criteria provided, single submitter. Criteria: Invitae Variant Classification Sherloc (09022015). Collection method: clinical testing. Allele origin: germline.
Comment: This sequence change replaces alanine, which is neutral and non-polar, with serine, which is neutral and polar, at codon 1754 of the DCHS1 protein (p.Ala1754Ser). This variant is not present in population databases (gnomAD no frequency). This variant has not been reported in the literature in individuals affected with DCHS1-related conditions. ClinVar contains an entry for this variant (Variation ID: 3699605). Invitae Evidence Modeling of protein sequence and biophysical properties (such as structural, functional, and spatial information, amino acid conservation, physicochemical variation, residue mobility, and thermodynamic stability) indicates that this missense variant is not expected to disrupt DCHS1 protein function with a negative predictive value of 80%. In summary, the available evidence is currently insufficient to determine the role of this variant in disease. Therefore, it has been classified as a Variant of Uncertain Significance.

Ambry Genetics
Classification: Uncertain significance for Inborn genetic diseases. Last evaluated: 2025-04-22. Review status: criteria provided, single submitter. Criteria: Ambry Variant Classification Scheme 2023. Collection method: clinical testing. Allele origin: germline.